The following is an entry in ClinVar:

ClinVar aggregate classification (germline): Benign. Review status: criteria provided, multiple submitters, no conflicts (2 of 4 stars). 2 submissions from 2 submitters: Benign (2). Last evaluated 2018-01-13.

Conditions:
Landau-Kleffner syndrome (FESD). Also called: EPILEPSY, FOCAL, WITH SPEECH DISORDER AND WITH OR WITHOUT MENTAL RETARDATION; APHASIA, ACQUIRED, WITH EPILEPSY. Identifiers: Orphanet 1945, Orphanet 725, Orphanet 98818, MedGen C0282512, MONDO:0009509, OMIM 245570.

Allele frequency attached by ClinVar (database versions not stated): gnomAD 0.00826; gnomAD exomes 0.01153; 1000 Genomes Project 0.00439; 1000 Genomes Project 30x 0.00625; TOPMed 0.01081.
gnomAD v4.1: 2,360 of 227,802 alleles (1%); highest among the groups gnomAD compares: Admixed American, 1.7%; 13 homozygotes.

Submissions (2):

Illumina Laboratory Services, Illumina
Classification: Benign for Landau-Kleffner syndrome. Last evaluated: 2018-01-13. Review status: criteria provided, single submitter. Criteria: ICSL Variant Classification Criteria 13 December 2019. Collection method: clinical testing. Allele origin: germline.
Comment: This variant was observed in the ICSL laboratory as part of a predisposition screen in an ostensibly healthy population. It had not been previously curated by ICSL or reported in the Human Gene Mutation Database (HGMD: prior to June 1st, 2018), and was therefore a candidate for classification through an automated scoring system. Utilizing variant allele frequency, disease prevalence and penetrance estimates, and inheritance mode, an automated score was calculated to assess if this variant is too frequent to cause the disease. Based on the score and internal cut-off values, a variant classified as benign is not then subjected to further curation. The score for this variant resulted in a classification of benign for this disease.

Breakthrough Genomics
Classification: Benign. Review status: criteria provided, single submitter. Criteria: ACMG Guidelines, 2015. Collection method: not provided. Allele origin: germline. Inheritance: Autosomal dominant inheritance. Affected: yes.

NM_001134407.3(GRIN2A):c.*2924A>C

Gene: GRIN2A (glutamate ionotropic receptor NMDA type subunit 2A; minus strand). Cytogenetic location: 16p13.2.
Variant type: single nucleotide variant.
Coding change: c.*2924A>C on transcript NM_001134407.3 (MANE Select); 2924 bases downstream of the stop codon, A replaced by C.
Molecular consequence: 3 prime UTR variant.
Genome position (GRCh38, 1-based): chr16:9,760,225, T>G on the plus strand (A>C on the coding strand, the complement: GRIN2A is on the minus strand). VCF-style: chr16-9760225-T-G. GRCh37 (hg19) VCF-style: chr16-9854082-T-G.
Other names: c.*2924A>C (NM_000833.5); c.*3130A>C (NM_001134408.2).
Identifiers: ClinVar variation 321558 (VCV000321558.6), dbSNP rs77580194, ClinGen allele CA10638757.